The following is an entry in ClinVar:

ClinVar aggregate classification (germline): Likely benign (0 of 4 stars; one submission).

Conditions:
MDN1-related disorder. Also called: MDN1-related condition.

Allele frequency attached by ClinVar (database versions not stated): gnomAD 0.00003; gnomAD exomes 0.00003; ExAC 0.00005; TOPMed 0.00005.
gnomAD v4.1: 52 of 1,613,022 alleles (0.0032%); highest among the groups gnomAD compares: Admixed American, 0.032%; no homozygotes.

Submission:

PreventionGenetics, part of Exact Sciences
Classification: Likely benign for MDN1-related condition. Last evaluated: 2019-06-24. Review status: no assertion criteria provided. Collection method: clinical testing. Allele origin: germline.
Comment: This variant is classified as likely benign based on ACMG/AMP sequence variant interpretation guidelines (Richards et al. 2015 PMID: 25741868, with internal and published modifications).

NM_014611.3(MDN1):c.9174C>T (p.Pro3058=)

Gene: MDN1 (midasin AAA ATPase 1; minus strand). Cytogenetic location: 6q15.
Variant type: single nucleotide variant.
Coding change: c.9174C>T on transcript NM_014611.3 (MANE Select); coding-DNA position 9174, C replaced by T.
Protein change: p.Pro3058=; no amino-acid change (proline 3058 retained).
Molecular consequence: synonymous variant.
Genome position (GRCh38, 1-based): chr6:89,696,569, G>A on the plus strand (C>T on the coding strand, the complement: MDN1 is on the minus strand). VCF-style: chr6-89696569-G-A. GRCh37 (hg19) VCF-style: chr6-90406288-G-A.
Identifiers: ClinVar variation 3043231 (VCV003043231.2), dbSNP rs745602127, ClinGen allele CA3923838.